The following is an entry in ClinVar:

ClinVar aggregate classification (germline): Uncertain significance (1 of 4 stars; one submission).

Submission:

Dasa
Classification: Uncertain significance. Last evaluated: 2024-12-09. Review status: criteria provided, single submitter. Criteria: DASA Assertion Criteria. Collection method: clinical testing. Allele origin: germline.
Comment: NM_003660.4(PPFIA3):c.1394A>T (p.Glu465Val) is a missense variant that results in the substitution of glutamic acid with valine. Published studies describe this variant in association with related phenotype (PMID: 38181735). Also, this variant is absent from population databases. The currently available literature and clinical evidence are not sufficient to establish a definitive association between this variant and the reported condition. Therefore, this variant is classified as a variant of uncertain significance.

Literature cited by the submitters: PubMed 38181735.

NM_003660.4(PPFIA3):c.1394A>T (p.Glu465Val)

Gene: PPFIA3 (PPFI scaffold protein A3; plus strand). Cytogenetic location: 19q13.33.
Variant type: single nucleotide variant.
Coding change: c.1394A>T on transcript NM_003660.4 (MANE Select); coding-DNA position 1394, A replaced by T.
Protein change: p.Glu465Val; replaces glutamic acid 465 with valine.
Molecular consequence: missense variant. On other transcripts: non-coding transcript variant (1).
Genome position (GRCh38, 1-based): chr19:49,134,655, A>T. VCF-style: chr19-49134655-A-T. GRCh37 (hg19) VCF-style: chr19-49637912-A-T.
Other names: short protein forms E465V.
Identifiers: ClinVar variation 5021033 (VCV005021033.1).